The following is an entry in ClinVar:

NM_002471.4(MYH6):c.1787A>G (p.Glu596Gly)

Gene: MYH6 (myosin heavy chain 6; minus strand). Cytogenetic location: 14q11.2.
Variant type: single nucleotide variant.
Coding change: c.1787A>G on transcript NM_002471.4 (MANE Select); coding-DNA position 1787, A replaced by G.
Protein change: p.Glu596Gly; replaces glutamic acid 596 with glycine.
Molecular consequence: missense variant.
Genome position (GRCh38, 1-based): chr14:23,398,832, T>C on the plus strand (A>G on the coding strand, the complement: MYH6 is on the minus strand). VCF-style: chr14-23398832-T-C. GRCh37 (hg19) VCF-style: chr14-23868041-T-C.
Other names: short protein forms E596G.
Identifiers: ClinVar variation 3297499 (VCV003297499.4).
Genomic context (GRCh38, chr14:23,398,832, plus strand): 5'-TTGAGGGAGGACTTCTGGTACAGGGCCACAACAGTCTCGTTGAGAGGATCCTTGTTTTTT[T>C]CCAGCCAGCCCAGGATGTTGTAGTCCACAGTGCCGGCGTAGTGGATCAGGGAGAAGTGGG-3'
Protein context (NP_002462.2, residues 586-606): TVDYNILGWL[Glu596Gly]KNKDPLNETV

ClinVar aggregate classification (germline): Uncertain significance. Review status: criteria provided, multiple submitters, no conflicts (2 of 4 stars). 2 submissions from 2 submitters: Uncertain significance (2). Last evaluated 2025-06-22.

Conditions:
Hypertrophic cardiomyopathy 14. Identifiers: MedGen C2750467, MONDO:0013197, OMIM 613251.
Cardiovascular phenotype. Identifiers: MedGen CN230736.

Submissions (2):

Ambry Genetics
Classification: Uncertain significance for Cardiovascular phenotype. Last evaluated: 2025-06-22. Review status: criteria provided, single submitter. Criteria: Ambry Variant Classification Scheme 2023. Collection method: clinical testing. Allele origin: germline.

Labcorp Genetics (formerly Invitae), Labcorp
Classification: Uncertain significance for Hypertrophic cardiomyopathy 14. Last evaluated: 2024-09-30. Review status: criteria provided, single submitter. Criteria: Invitae Variant Classification Sherloc (09022015). Collection method: clinical testing. Allele origin: germline.
Comment: This sequence change replaces glutamic acid, which is acidic and polar, with glycine, which is neutral and non-polar, at codon 596 of the MYH6 protein (p.Glu596Gly). This variant is not present in population databases (gnomAD no frequency). This variant has not been reported in the literature in individuals affected with MYH6-related conditions. Invitae Evidence Modeling of protein sequence and biophysical properties (such as structural, functional, and spatial information, amino acid conservation, physicochemical variation, residue mobility, and thermodynamic stability) indicates that this missense variant is not expected to disrupt MYH6 protein function with a negative predictive value of 80%. In summary, the available evidence is currently insufficient to determine the role of this variant in disease. Therefore, it has been classified as a Variant of Uncertain Significance.